The following is an entry in ClinVar:

ClinVar aggregate classification (germline): Uncertain significance (1 of 4 stars; one submission).

Submission:

GeneDx
Classification: Uncertain significance. Last evaluated: 2025-08-06. Review status: criteria provided, single submitter. Criteria: GeneDx Variant Classification Process June 2021. Collection method: clinical testing. Allele origin: germline. Affected: yes.
Comment: Not observed at significant frequency in large population cohorts (gnomAD); In silico analysis suggests that this missense variant does not alter protein structure/function; Has not been previously published as pathogenic or benign to our knowledge

NM_005639.3(SYT1):c.88G>T (p.Ala30Ser)

Gene: SYT1 (synaptotagmin 1; plus strand). Cytogenetic location: 12q21.2.
Variant type: single nucleotide variant.
Coding change: c.88G>T on transcript NM_005639.3 (MANE Select); coding-DNA position 88, G replaced by T.
Protein change: p.Ala30Ser; replaces alanine 30 with serine.
Molecular consequence: missense variant.
Genome position (GRCh38, 1-based): chr12:79,217,607, G>T. VCF-style: chr12-79217607-G-T. GRCh37 (hg19) VCF-style: chr12-79611387-G-T.
Other names: c.88G>T, p.Ala30Ser (NM_001135805.2, NM_001135806.2, NM_001291901.2 and 6 more transcripts); short protein forms A30S.
Identifiers: ClinVar variation 4755808 (VCV004755808.1).